The following is an entry in ClinVar:

NM_017534.6(MYH2):c.3635A>G (p.Gln1212Arg)

Genes: MYH2 (myosin heavy chain 2; minus strand), MYHAS (myosin heavy chain gene cluster antisense RNA; plus strand). Cytogenetic location: 17p13.1.
Variant type: single nucleotide variant.
Coding change: c.3635A>G on transcript NM_017534.6 (MANE Select); coding-DNA position 3635, A replaced by G.
Protein change: p.Gln1212Arg; replaces glutamine 1212 with arginine.
Molecular consequence: missense variant.
Genome position (GRCh38, 1-based): chr17:10,528,799, T>C on the plus strand (A>G on the coding strand, the complement: MYH2 is on the minus strand). VCF-style: chr17-10528799-T-C. GRCh37 (hg19) VCF-style: chr17-10432116-T-C.
Other names: c.3635A>G, p.Gln1212Arg (NM_001100112.2); short protein forms Q1212R.
Identifiers: ClinVar variation 450051 (VCV000450051.8), dbSNP rs1456213666, ClinGen allele CA398132842.

ClinVar aggregate classification (germline): Uncertain significance. Review status: criteria provided, multiple submitters, no conflicts (2 of 4 stars). 3 submissions from 3 submitters: Uncertain significance (3). Last evaluated 2025-06-20.

Conditions:
Inborn genetic diseases. Identifiers: MedGen C0950123, MeSH D030342.
Myopathy, proximal, and ophthalmoplegia (CMYO6). Also called: MYOPATHY WITH CONGENITAL JOINT CONTRACTURES, OPHTHALMOPLEGIA, AND RIMMED VACUOLES; INCLUSION BODY MYOPATHY 3, AUTOSOMAL DOMINANT; CONGENITAL MYOPATHY 6 WITH OPHTHALMOPLEGIA. Identifiers: Orphanet 363677, Orphanet 79091, MedGen C1854106, MONDO:0011577, OMIM 605637.

Allele frequency attached by ClinVar (database versions not stated): gnomAD exomes below 0.00001; TOPMed below 0.00001.
gnomAD v4.1: 5 of 1,614,230 alleles (0.00031%); highest among the groups gnomAD compares: Non-Finnish European, 0.00042%; no homozygotes.

Submissions (3):

Labcorp Genetics (formerly Invitae), Labcorp
Classification: Uncertain significance for Myopathy, proximal, and ophthalmoplegia. Last evaluated: 2025-06-20. Review status: criteria provided, single submitter. Criteria: Invitae Variant Classification Sherloc (09022015). Collection method: clinical testing. Allele origin: germline.
Comment: This sequence change replaces glutamine, which is neutral and polar, with arginine, which is basic and polar, at codon 1212 of the MYH2 protein (p.Gln1212Arg). This variant is present in population databases (no rsID available, gnomAD 0.0009%). This variant has not been reported in the literature in individuals affected with MYH2-related conditions. ClinVar contains an entry for this variant (Variation ID: 450051). Invitae Evidence Modeling of protein sequence and biophysical properties (such as structural, functional, and spatial information, amino acid conservation, physicochemical variation, residue mobility, and thermodynamic stability) indicates that this missense variant is expected to disrupt MYH2 protein function with a positive predictive value of 80%. In summary, the available evidence is currently insufficient to determine the role of this variant in disease. Therefore, it has been classified as a Variant of Uncertain Significance.

Ambry Genetics
Classification: Uncertain significance for Inborn genetic diseases. Last evaluated: 2024-09-11. Review status: criteria provided, single submitter. Criteria: Ambry Variant Classification Scheme 2023. Collection method: clinical testing. Allele origin: germline.

GeneDx
Classification: Uncertain significance. Last evaluated: 2017-06-23. Review status: criteria provided, single submitter. Criteria: GeneDx Variant Classification (06012015). Collection method: clinical testing. Allele origin: germline. Affected: yes.
Comment: The Q1212R variant in the MYH2 gene has not been reported previously as a pathogenic variant, nor as a benign variant, to our knowledge. The Q1212R variant is not observed in large population cohorts (Lek et al., 2016; 1000 Genomes Consortium et al., 2015; Exome Variant Server). The Q1212R variant is a semi-conservative amino acid substitution, which may impact secondary protein structure as these residues differ in some properties. This substitution occurs at a position that is conserved across species. In silico analysis predicts this variant is probably damaging to the protein structure/function. We interpret Q1212R as a variant of uncertain significance.